The following is an entry in ClinVar:

NM_014727.3(KMT2B):c.6598G>A (p.Val2200Ile)

Gene: KMT2B (lysine methyltransferase 2B; plus strand). Cytogenetic location: 19q13.12.
Variant type: single nucleotide variant.
Coding change: c.6598G>A on transcript NM_014727.3 (MANE Select); coding-DNA position 6598, G replaced by A.
Protein change: p.Val2200Ile; replaces valine 2200 with isoleucine.
Molecular consequence: missense variant.
Genome position (GRCh38, 1-based): chr19:35,733,147, G>A. VCF-style: chr19-35733147-G-A. GRCh37 (hg19) VCF-style: chr19-36224048-G-A.
Other names: short protein forms V2200I.
Identifiers: ClinVar variation 3375863 (VCV003375863.1).

ClinVar aggregate classification (germline): Uncertain significance (1 of 4 stars; one submission).

Submission:

GeneDx
Classification: Uncertain significance. Last evaluated: 2024-05-06. Review status: criteria provided, single submitter. Criteria: GeneDx Variant Classification Process June 2021. Collection method: clinical testing. Allele origin: germline. Affected: yes.
Comment: Not observed at significant frequency in large population cohorts (gnomAD); In silico analysis indicates that this missense variant does not alter protein structure/function; Has not been previously published as pathogenic or benign to our knowledge